The following is an entry in ClinVar:

ClinVar aggregate classification (germline): Uncertain significance (1 of 4 stars; one submission).

Submission:

Labcorp Genetics (formerly Invitae), Labcorp
Classification: Uncertain significance. Last evaluated: 2023-05-09. Review status: criteria provided, single submitter. Criteria: Invitae Variant Classification Sherloc (09022015). Collection method: clinical testing. Allele origin: germline.
Comment: In summary, the available evidence is currently insufficient to determine the role of this variant in disease. Therefore, it has been classified as a Variant of Uncertain Significance. Advanced modeling of protein sequence and biophysical properties (such as structural, functional, and spatial information, amino acid conservation, physicochemical variation, residue mobility, and thermodynamic stability) performed at Invitae indicates that this missense variant is not expected to disrupt HK1 protein function. This variant has not been reported in the literature in individuals affected with HK1-related conditions. This sequence change replaces arginine, which is basic and polar, with lysine, which is basic and polar, at codon 69 of the HK1 protein (p.Arg69Lys). This variant is not present in population databases (gnomAD no frequency).

NM_000188.3(HK1):c.206G>A (p.Arg69Lys)

Gene: HK1 (hexokinase 1; plus strand). Cytogenetic location: 10q22.1.
Variant type: single nucleotide variant.
Coding change: c.206G>A on transcript NM_000188.3 (MANE Select); coding-DNA position 206, G replaced by A.
Protein change: p.Arg69Lys; replaces arginine 69 with lysine.
Molecular consequence: missense variant.
Genome position (GRCh38, 1-based): chr10:69,343,969, G>A. VCF-style: chr10-69343969-G-A. GRCh37 (hg19) VCF-style: chr10-71103725-G-A.
Other names: c.218G>A, p.Arg73Lys (NM_001322364.2, NM_001358263.1, NM_033497.3 and 1 more transcripts); c.311G>A, p.Arg104Lys (NM_001322365.2); c.122G>A, p.Arg41Lys (NM_001322366.1); c.206G>A, p.Arg69Lys (NM_001322367.1); c.203G>A, p.Arg68Lys (NM_033496.3); c.170G>A, p.Arg57Lys (NM_033500.2); short protein forms R104K, R57K, R68K, R69K, R73K, R41K.
Identifiers: ClinVar variation 2857632 (VCV002857632.3), dbSNP rs2540244610, ClinGen allele CA376907635.